The following is an entry in ClinVar:

ClinVar aggregate classification (germline): Likely benign. Review status: criteria provided, multiple submitters, no conflicts (2 of 4 stars). 3 submissions from 3 submitters: Likely benign (2). 1 of the submissions does not count toward it. Last evaluated 2024-10-06.

Conditions:
ACTG1-related disorder. Also called: ACTG1-related condition; ACTG1-related disorders.
Autosomal dominant nonsyndromic hearing loss 20. Identifiers: Orphanet 90635, MedGen C1858172, MONDO:0011480, OMIM 604717.
Baraitser-winter syndrome 2. Identifiers: Orphanet 2995, MedGen C3281235, MONDO:0013812, OMIM 614583.

Allele frequency attached by ClinVar (database versions not stated): TOPMed 0.00005.
gnomAD v4.1: 30 of 1,613,776 alleles (0.0019%); highest among the groups gnomAD compares: African/African-American, 0.011%; no homozygotes.

Submissions (3):

Labcorp Genetics (formerly Invitae), Labcorp
Classification: Likely benign for Baraitser-winter syndrome 2; Autosomal dominant nonsyndromic hearing loss 20. Last evaluated: 2024-10-06. Review status: criteria provided, single submitter. Criteria: Invitae Variant Classification Sherloc (09022015). Collection method: clinical testing. Allele origin: germline.

GeneDx
Classification: Likely benign. Last evaluated: 2017-05-17. Review status: criteria provided, single submitter. Criteria: GeneDx Variant Classification (06012015). Collection method: clinical testing. Allele origin: germline. Affected: yes.
Comment: This variant is considered likely benign or benign based on one or more of the following criteria: it is a conservative change, it occurs at a poorly conserved position in the protein, it is predicted to be benign by multiple in silico algorithms, and/or has population frequency not consistent with disease.

PreventionGenetics, part of Exact Sciences
Classification: Likely benign for ACTG1-related condition. Last evaluated: 2020-12-09. Review status: no assertion criteria provided. Collection method: clinical testing. Allele origin: germline. Not counted in ClinVar's aggregate classification.
Comment: This variant is classified as likely benign based on ACMG/AMP sequence variant interpretation guidelines (Richards et al. 2015 PMID: 25741868, with internal and published modifications).

NM_001614.5(ACTG1):c.558C>G (p.Thr186=)

Gene: ACTG1 (actin gamma 1; minus strand). Cytogenetic location: 17q25.3.
Variant type: single nucleotide variant.
Coding change: c.558C>G on transcript NM_001614.5 (MANE Select); coding-DNA position 558, C replaced by G.
Protein change: p.Thr186=; no amino-acid change (threonine 186 retained).
Molecular consequence: synonymous variant. On other transcripts: non-coding transcript variant (1).
Genome position (GRCh38, 1-based): chr17:81,511,432, G>C on the plus strand (C>G on the coding strand, the complement: ACTG1 is on the minus strand). VCF-style: chr17-81511432-G-C. GRCh37 (hg19) VCF-style: chr17-79478458-G-C.
Other names: c.558C>G, p.Thr186= (NM_001199954.3).
Identifiers: ClinVar variation 509514 (VCV000509514.6), dbSNP rs142893042, ClinGen allele CA8836051.